The following is an entry in ClinVar:

NM_005477.3(HCN4):c.*1482A>G

Gene: HCN4 (hyperpolarization activated cyclic nucleotide gated potassium channel 4; minus strand). Cytogenetic location: 15q24.1.
Variant type: single nucleotide variant.
Coding change: c.*1482A>G on transcript NM_005477.3 (MANE Select); 1482 bases downstream of the stop codon, A replaced by G.
Molecular consequence: 3 prime UTR variant.
Genome position (GRCh38, 1-based): chr15:73,320,999, T>C on the plus strand (A>G on the coding strand, the complement: HCN4 is on the minus strand). VCF-style: chr15-73320999-T-C. GRCh37 (hg19) VCF-style: chr15-73613340-T-C.
Identifiers: ClinVar variation 886595 (VCV000886595.5), dbSNP rs191013007, ClinGen allele CA272662001.

ClinVar aggregate classification (germline): Benign. Review status: criteria provided, multiple submitters, no conflicts (2 of 4 stars). 2 submissions from 2 submitters: Benign (2). Last evaluated 2018-01-13.

Conditions:
Sick sinus syndrome 2, autosomal dominant (SSS2). Also called: ATRIAL FIBRILLATION WITH BRADYARRHYTHMIA; SINUS BRADYCARDIA SYNDROME, FAMILIAL, AUTOSOMAL DOMINANT; SINUS NODE DISEASE, FAMILIAL, AUTOSOMAL DOMINANT; SICK SINUS SYNDROME 2; SICK SINUS SYNDROME 2 WITH OR WITHOUT CARDIAC NONCOMPACTION AND/OR ASCENDING AORTA DILATION. Identifiers: Orphanet 166282, MedGen C1834144, MONDO:0008102, OMIM 163800.

Allele frequency attached by ClinVar (database versions not stated): gnomAD 0.00212 and 0.00222; 1000 Genomes Project 30x 0.00297; TOPMed 0.00300; 1000 Genomes Project 0.00339.

Submissions (2):

Illumina Laboratory Services, Illumina
Classification: Benign for Sick sinus syndrome 2, autosomal dominant. Last evaluated: 2018-01-13. Review status: criteria provided, single submitter. Criteria: ICSL Variant Classification Criteria 13 December 2019. Collection method: clinical testing. Allele origin: germline.
Comment: This variant was observed in the ICSL laboratory as part of a predisposition screen in an ostensibly healthy population. It had not been previously curated by ICSL or reported in the Human Gene Mutation Database (HGMD: prior to June 1st, 2018), and was therefore a candidate for classification through an automated scoring system. Utilizing variant allele frequency, disease prevalence and penetrance estimates, and inheritance mode, an automated score was calculated to assess if this variant is too frequent to cause the disease. Based on the score and internal cut-off values, a variant classified as benign is not then subjected to further curation. The score for this variant resulted in a classification of benign for this disease.

Breakthrough Genomics
Classification: Benign. Review status: criteria provided, single submitter. Criteria: ACMG Guidelines, 2015. Collection method: not provided. Allele origin: germline. Inheritance: Autosomal dominant inheritance. Affected: yes.